The following is an entry in ClinVar:

ClinVar aggregate classification (germline): Uncertain significance (1 of 4 stars; one submission).

Conditions:
MYBPC1-related disorder. Also called: MYBPC1-related condition.

Submission:

PreventionGenetics, part of Exact Sciences
Classification: Uncertain significance for MYBPC1-related condition. Last evaluated: 2023-07-12. Review status: criteria provided, single submitter. Criteria: ACMG Guidelines, 2015. Collection method: clinical testing. Allele origin: germline.
Comment: The MYBPC1 c.2676A>G variant is predicted to result in the amino acid substitution p.Ile892Met. To our knowledge, this variant has not been reported in the literature or in a large population database, indicating this variant is rare. At this time, the clinical significance of this variant is uncertain due to the absence of conclusive functional and genetic evidence.

NM_002465.4(MYBPC1):c.2676A>G (p.Ile892Met)

Gene: MYBPC1 (myosin binding protein C1; plus strand). Cytogenetic location: 12q23.2.
Variant type: single nucleotide variant.
Coding change: c.2676A>G on transcript NM_002465.4 (MANE Select); coding-DNA position 2676, A replaced by G.
Protein change: p.Ile892Met; replaces isoleucine 892 with methionine.
Molecular consequence: missense variant.
Genome position (GRCh38, 1-based): chr12:101,673,489, A>G. VCF-style: chr12-101673489-A-G. GRCh37 (hg19) VCF-style: chr12-102067267-A-G.
Other names: c.2655A>G, p.Ile885Met (NM_001254718.3, NM_206820.4); c.2601A>G, p.Ile867Met (NM_001254719.3, NM_206821.4); c.2565A>G, p.Ile855Met (NM_001254720.3); c.2544A>G, p.Ile848Met (NM_001254721.3, NM_001404676.1, NM_001404678.1); c.2523A>G, p.Ile841Met (NM_001254722.3, NM_001404680.1); c.2562A>G, p.Ile854Met (NM_001254723.3); c.2676A>G, p.Ile892Met (NM_001404675.1, NM_206819.4); c.2466A>G, p.Ile822Met (NM_001404677.1, NM_001404679.1, NM_001404681.1); short protein forms I822M, I841M, I848M, I854M, I855M, I867M, I885M, I892M.
Identifiers: ClinVar variation 2631717 (VCV002631717.1), dbSNP rs2136709098, ClinGen allele CA386274457.